The following is an entry in ClinVar:

ClinVar aggregate classification (germline): Uncertain significance (1 of 4 stars; one submission).

gnomAD v4.1: 6 of 1,613,208 alleles (0.00037%); highest among the groups gnomAD compares: Non-Finnish European, 0.00051%; no homozygotes.

Submission:

Ambry Genetics
Classification: Uncertain significance. Last evaluated: 2026-05-20. Review status: criteria provided, single submitter. Criteria: Ambry Variant Classification Scheme 2023. Collection method: clinical testing. Allele origin: germline.
Comment: The p.P841Q variant (also known as c.2522C>A), located in coding exon 11 of the WNK2 gene, results from a C to A substitution at nucleotide position 2522. The proline at codon 841 is replaced by glutamine, an amino acid with similar properties. This amino acid position is conserved. In addition, the in silico prediction for this alteration is inconclusive. Based on the available evidence, the clinical significance of this variant remains unclear.

NM_006648.4(WNK2):c.2522C>A (p.Pro841Gln)

Gene: WNK2 (WNK lysine deficient protein kinase 2; plus strand). Cytogenetic location: 9q22.31.
Variant type: single nucleotide variant.
Coding change: c.2522C>A on transcript NM_006648.4 (MANE Select); coding-DNA position 2522, C replaced by A.
Protein change: p.Pro841Gln; replaces proline 841 with glutamine.
Molecular consequence: missense variant.
Genome position (GRCh38, 1-based): chr9:93,259,070, C>A. VCF-style: chr9-93259070-C-A. GRCh37 (hg19) VCF-style: chr9-96021352-C-A.
Other names: c.2522C>A, p.Pro841Gln (NM_001282394.3); short protein forms P841Q.
Identifiers: ClinVar variation 4866688 (VCV004866688.1).